The following is an entry in ClinVar:

ClinVar aggregate classification (germline): Pathogenic/Likely pathogenic. Review status: criteria provided, multiple submitters, no conflicts (2 of 4 stars). 3 submissions from 3 submitters: Pathogenic (1); Likely pathogenic (2). Last evaluated 2026-08-25.

Conditions:
Hereditary cancer-predisposing syndrome. Also called: Tumor predisposition; Hereditary Cancer Syndrome; Hereditary neoplastic syndrome; Neoplastic Syndromes, Hereditary. Identifiers: Orphanet 140162, MedGen C0027672, MeSH D009386, MONDO:0015356.
Cardiovascular phenotype. Identifiers: MedGen CN230736.
Neurofibromatosis, type 1 (NF1). Also called: NEUROFIBROMATOSIS, TYPE I, SOMATIC; Peripheral type neurofibromatosis; VON RECKLINGHAUSEN DISEASE; Neurofibromatosis, type I. Identifiers: Orphanet 636, MedGen C0027831, MONDO:0018975, OMIM 162200. Disease mechanism: loss of function.

Submissions (3):

Ambry Genetics
Classification: Pathogenic for Cardiovascular phenotype; Hereditary cancer-predisposing syndrome. Last evaluated: 2026-08-25. Review status: criteria provided, single submitter. Criteria: Ambry Variant Classification Scheme 2023. Collection method: clinical testing. Allele origin: germline.
Comment: The c.3577T>G (p.F1193V) alteration is located in exon 27 (coding exon 27) of the NF1 gene. This alteration results from a T to G substitution at nucleotide position 3577, causing the phenylalanine (F) at amino acid position 1193 to be replaced by a valine (V). This variant was not reported in population-based cohorts in the Genome Aggregation Database (gnomAD). This variant was reported in individual(s) with features consistent with neurofibromatosis type 1 (external communication). This amino acid position is highly conserved in available vertebrate species. This alteration is predicted to be deleterious by in silico analysis. Based on the available evidence, this alteration is classified as pathogenic.

GeneDx
Classification: Likely pathogenic. Last evaluated: 2025-05-30. Review status: criteria provided, single submitter. Criteria: GeneDx Variant Classification Process June 2021. Collection method: clinical testing. Allele origin: germline. Affected: yes.
Comment: Not observed at significant frequency in large population cohorts (gnomAD); In silico analysis supports that this missense variant has a deleterious effect on protein structure/function; Has not been previously published as pathogenic or benign to our knowledge; This variant is associated with the following publications: (PMID: 25486365, 2121369, 22807134)

Labcorp Genetics (formerly Invitae), Labcorp
Classification: Likely pathogenic for Neurofibromatosis, type 1. Last evaluated: 2022-04-11. Review status: criteria provided, single submitter. Criteria: Invitae Variant Classification Sherloc (09022015). Collection method: clinical testing. Allele origin: germline.
Comment: In summary, the currently available evidence indicates that the variant is pathogenic, but additional data are needed to prove that conclusively. Therefore, this variant has been classified as Likely Pathogenic. This variant disrupts the p.Phe1193 amino acid residue in NF1. Other variant(s) that disrupt this residue have been determined to be pathogenic (PMID: 11735023). This suggests that this residue is clinically significant, and that variants that disrupt this residue are likely to be disease-causing. Advanced modeling of protein sequence and biophysical properties (such as structural, functional, and spatial information, amino acid conservation, physicochemical variation, residue mobility, and thermodynamic stability) performed at Invitae indicates that this missense variant is expected to disrupt NF1 protein function. This variant has not been reported in the literature in individuals affected with NF1-related conditions. This variant is not present in population databases (gnomAD no frequency). This sequence change replaces phenylalanine, which is neutral and non-polar, with valine, which is neutral and non-polar, at codon 1193 of the NF1 protein (p.Phe1193Val).

Literature cited by the submitters: PubMed 11735023 (cited by Labcorp Genetics (formerly Invitae), Labcorp).

NM_001042492.3(NF1):c.3577T>G (p.Phe1193Val)

Gene: NF1 (neurofibromin 1; plus strand). Cytogenetic location: 17q11.2.
Variant type: single nucleotide variant.
Coding change: c.3577T>G on transcript NM_001042492.3 (MANE Select); coding-DNA position 3577, T replaced by G.
Protein change: p.Phe1193Val; replaces phenylalanine 1193 with valine.
Molecular consequence: missense variant.
Genome position (GRCh38, 1-based): chr17:31,233,082, T>G. VCF-style: chr17-31233082-T-G. GRCh37 (hg19) VCF-style: chr17-29560100-T-G.
Other names: c.3577T>G, p.Phe1193Val (NM_000267.4); short protein forms F1193V.
Identifiers: ClinVar variation 2124665 (VCV002124665.7), dbSNP rs2151435475, ClinGen allele CA398990140.